The following is an entry in ClinVar:

ClinVar aggregate classification (germline): Uncertain significance. Review status: criteria provided, multiple submitters, no conflicts (2 of 4 stars). 2 submissions from 2 submitters: Uncertain significance (2). Last evaluated 2025-03-11.

Allele frequency attached by ClinVar (database versions not stated): TOPMed 0.00005; gnomAD 0.00006.
gnomAD v4.1: 44 of 1,613,668 alleles (0.0027%); highest among the groups gnomAD compares: Admixed American, 0.027%; no homozygotes.

Submissions (2):

Ambry Genetics
Classification: Uncertain significance. Last evaluated: 2025-03-11. Review status: criteria provided, single submitter. Criteria: Ambry Variant Classification Scheme 2023. Collection method: clinical testing. Allele origin: germline.

Labcorp Genetics (formerly Invitae), Labcorp
Classification: Uncertain significance. Last evaluated: 2021-12-23. Review status: criteria provided, single submitter. Criteria: Invitae Variant Classification Sherloc (09022015). Collection method: clinical testing. Allele origin: germline.
Comment: In summary, the available evidence is currently insufficient to determine the role of this variant in disease. Therefore, it has been classified as a Variant of Uncertain Significance. Algorithms developed to predict the effect of missense changes on protein structure and function output the following: SIFT: "Not Available"; PolyPhen-2: "Benign"; Align-GVGD: "Not Available". The methionine amino acid residue is found in multiple mammalian species, which suggests that this missense change does not adversely affect protein function. This variant has not been reported in the literature in individuals affected with PIK3C2A-related conditions. This variant is present in population databases (rs748443830, gnomAD 0.02%). This sequence change replaces threonine, which is neutral and polar, with methionine, which is neutral and non-polar, at codon 1050 of the PIK3C2A protein (p.Thr1050Met).

NM_002645.4(PIK3C2A):c.3149C>T (p.Thr1050Met)

Gene: PIK3C2A (phosphatidylinositol-4-phosphate 3-kinase catalytic subunit type 2 alpha; minus strand). Cytogenetic location: 11p15.1.
Variant type: single nucleotide variant.
Coding change: c.3149C>T on transcript NM_002645.4 (MANE Select); coding-DNA position 3149, C replaced by T.
Protein change: p.Thr1050Met; replaces threonine 1050 with methionine.
Molecular consequence: missense variant.
Genome position (GRCh38, 1-based): chr11:17,117,558, G>A on the plus strand (C>T on the coding strand, the complement: PIK3C2A is on the minus strand). VCF-style: chr11-17117558-G-A. GRCh37 (hg19) VCF-style: chr11-17139105-G-A.
Other names: c.3149C>T, p.Thr1050Met (NM_001321378.2); c.2009C>T, p.Thr670Met (NM_001321380.2); c.2981C>T, p.Thr994Met (NM_001386870.1); c.3149C>T (NM_002645.2); short protein forms T670M, T994M, T1050M.
Identifiers: ClinVar variation 1901436 (VCV001901436.6), dbSNP rs748443830, ClinGen allele CA5900873.
Genomic context (GRCh38, chr11:17,117,558, plus strand): 5'-GCTGATCCACTAGCCTGCCTTACTTTTTCTGCTACTCCTCCTAAAAGCTGTACAAGTTTC[G>A]TCTGTTTTAGAAGTTCTTCTCTAAGTCGTTTTCCTCCTACTGACAGGAGAGCACCCAAAA-3'
Protein context (NP_002636.2, residues 1040-1060): KRLREELLKQ[Thr1050Met]KLVQLLGGVA